The following is an entry in ClinVar:

NM_003072.5(SMARCA4):c.3236C>T (p.Ser1079Leu)

Gene: SMARCA4 (SWI/SNF related BAF chromatin remodeling complex subunit ATPase 4; plus strand). Cytogenetic location: 19p13.2.
Variant type: single nucleotide variant.
Coding change: c.3236C>T on transcript NM_003072.5 (MANE Select); coding-DNA position 3236, C replaced by T.
Protein change: p.Ser1079Leu; replaces serine 1079 with leucine.
Molecular consequence: missense variant. On other transcripts: non-coding transcript variant (1).
Genome position (GRCh38, 1-based): chr19:11,027,804, C>T. VCF-style: chr19-11027804-C-T. GRCh37 (hg19) VCF-style: chr19-11138480-C-T.
Other names: c.3236C>T, p.Ser1079Leu (NM_001128844.3, NM_001128845.2, NM_001128846.2 and 6 more transcripts); short protein forms S1079L.
Identifiers: ClinVar variation 3369959 (VCV003369959.2).

ClinVar aggregate classification (germline): Uncertain significance. Review status: criteria provided, multiple submitters, no conflicts (2 of 4 stars). 2 submissions from 2 submitters: Uncertain significance (2). Last evaluated 2025-10-05.

Conditions:
Rhabdoid tumor predisposition syndrome 2 (RTPS2). Identifiers: Orphanet 231108, Orphanet 69077, MedGen C2750074, MONDO:0013224, OMIM 613325.

Submissions (2):

Labcorp Genetics (formerly Invitae), Labcorp
Classification: Uncertain significance for Rhabdoid tumor predisposition syndrome 2. Last evaluated: 2025-10-05. Review status: criteria provided, single submitter. Criteria: Invitae Variant Classification Sherloc (09022015). Collection method: clinical testing. Allele origin: germline.
Comment: This sequence change replaces serine, which is neutral and polar, with leucine, which is neutral and non-polar, at codon 1079 of the SMARCA4 protein (p.Ser1079Leu). This variant is not present in population databases (gnomAD no frequency). This missense change has been observed in individual(s) with a neurodevelopmental disorder and/or autism (PMID: 33057194, 35982159, 37500730). ClinVar contains an entry for this variant (Variation ID: 3369959). Invitae Evidence Modeling of protein sequence and biophysical properties (such as structural, functional, and spatial information, amino acid conservation, physicochemical variation, residue mobility, and thermodynamic stability) indicates that this missense variant is expected to disrupt SMARCA4 protein function with a positive predictive value of 95%. In summary, the available evidence is currently insufficient to determine the role of this variant in disease. Therefore, it has been classified as a Variant of Uncertain Significance.

GeneDx
Classification: Uncertain significance. Last evaluated: 2024-04-23. Review status: criteria provided, single submitter. Criteria: GeneDx Variant Classification Process June 2021. Collection method: clinical testing. Allele origin: germline. Affected: yes.
Comment: De novo variant in at least one patient referred for genetic testing at GeneDx and in published literature; however, the reported clinical features are only partially consistent with the features typically observed in individuals with pathogenic variants in this gene (PMID: 35982159); Not observed at significant frequency in large population cohorts (gnomAD); In silico analysis supports that this missense variant has a deleterious effect on protein structure/function; This variant is associated with the following publications: (PMID: 24658002, 31190001, 33057194, 35982159)

Literature cited by the submitters: PubMed 33057194 (cited by Labcorp Genetics (formerly Invitae), Labcorp); PubMed 35982159 (cited by Labcorp Genetics (formerly Invitae), Labcorp); PubMed 37500730 (cited by Labcorp Genetics (formerly Invitae), Labcorp).